The following is an entry in ClinVar:

ClinVar aggregate classification (germline): Uncertain significance (1 of 4 stars; one submission).

Conditions:
ALG1-congenital disorder of glycosylation. Also called: ALG1-CDG; CONGENITAL DISORDER OF GLYCOSYLATION, TYPE Ik; CDG Ik. Identifiers: Orphanet 79327, MedGen C2931005, MONDO:0012052, OMIM 608540.

Allele frequency attached by ClinVar (database versions not stated): TOPMed 0.00001.

Submission:

Labcorp Genetics (formerly Invitae), Labcorp
Classification: Uncertain significance for ALG1-congenital disorder of glycosylation. Last evaluated: 2022-08-16. Review status: criteria provided, single submitter. Criteria: Invitae Variant Classification Sherloc (09022015). Collection method: clinical testing. Allele origin: germline.
Comment: This sequence change replaces glutamic acid, which is acidic and polar, with lysine, which is basic and polar, at codon 327 of the ALG1 protein (p.Glu327Lys). This variant is not present in population databases (gnomAD no frequency). This variant has not been reported in the literature in individuals affected with ALG1-related conditions. Advanced modeling of protein sequence and biophysical properties (such as structural, functional, and spatial information, amino acid conservation, physicochemical variation, residue mobility, and thermodynamic stability) performed at Invitae indicates that this missense variant is expected to disrupt ALG1 protein function. In summary, the available evidence is currently insufficient to determine the role of this variant in disease. Therefore, it has been classified as a Variant of Uncertain Significance.

NM_019109.5(ALG1):c.979G>A (p.Glu327Lys)

Gene: ALG1 (ALG1 chitobiosyldiphosphodolichol beta-mannosyltransferase; plus strand). Cytogenetic location: 16p13.3.
Variant type: single nucleotide variant.
Coding change: c.979G>A on transcript NM_019109.5 (MANE Select); coding-DNA position 979, G replaced by A.
Protein change: p.Glu327Lys; replaces glutamic acid 327 with lysine.
Molecular consequence: missense variant.
Genome position (GRCh38, 1-based): chr16:5,080,963, G>A. VCF-style: chr16-5080963-G-A. GRCh37 (hg19) VCF-style: chr16-5130964-G-A.
Other names: c.646G>A, p.Glu216Lys (NM_001330504.2); short protein forms E216K, E327K.
Identifiers: ClinVar variation 1716517 (VCV001716517.5), dbSNP rs893026064, ClinGen allele CA277163913.